The following is an entry in ClinVar:

ClinVar aggregate classification (germline): Conflicting classifications of pathogenicity. Review status: criteria provided, conflicting classifications (1 of 4 stars). 2 submissions from 2 submitters: Uncertain significance (1); Likely benign (1). Last evaluated 2025-12-01.

Conditions:
Gamma-aminobutyric acid transaminase deficiency (GABATD). Also called: GABA transaminase deficiency; Gamma aminobutyrate transaminase deficiency; 4 alpha aminobutyrate transaminase deficiency; GABA aminotransaminase deficiency. Identifiers: Orphanet 2066, MedGen C0342708, MONDO:0013166, OMIM 613163.

gnomAD v4.1: 34 of 1,612,756 alleles (0.0021%); highest among the groups gnomAD compares: Middle Eastern, 0.016%; no homozygotes.

Submissions (2):

CeGaT Center for Human Genetics Tuebingen
Classification: Likely benign. Last evaluated: 2025-12-01. Review status: criteria provided, single submitter. Criteria: CeGaT Center For Human Genetics Tuebingen Variant Classification Criteria Version 2. Collection method: clinical testing. Allele origin: germline. Affected: yes. Observed: 1 variant allele.
Comment: ABAT: BP4, BP7

Labcorp Genetics (formerly Invitae), Labcorp
Classification: Uncertain significance for Gamma-aminobutyric acid transaminase deficiency. Last evaluated: 2022-07-12. Review status: criteria provided, single submitter. Criteria: Invitae Variant Classification Sherloc (09022015). Collection method: clinical testing. Allele origin: germline.
Comment: This sequence change affects codon 149 of the ABAT mRNA. It is a 'silent' change, meaning that it does not change the encoded amino acid sequence of the ABAT protein. This variant also falls at the last nucleotide of exon 7, which is part of the consensus splice site for this exon. This variant is present in population databases (no rsID available, gnomAD 0.006%). This variant has not been reported in the literature in individuals affected with ABAT-related conditions. Variants that disrupt the consensus splice site are a relatively common cause of aberrant splicing (PMID: 17576681, 9536098). Algorithms developed to predict the effect of sequence changes on RNA splicing suggest that this variant may create or strengthen a splice site. In summary, the available evidence is currently insufficient to determine the role of this variant in disease. Therefore, it has been classified as a Variant of Uncertain Significance.

Literature cited by the submitters: PubMed 17576681 (cited by Labcorp Genetics (formerly Invitae), Labcorp); PubMed 9536098 (cited by Labcorp Genetics (formerly Invitae), Labcorp).

NM_020686.6(ABAT):c.447G>A (p.Ser149=)

Gene: ABAT (4-aminobutyrate aminotransferase; plus strand). Cytogenetic location: 16p13.2.
Variant type: single nucleotide variant.
Coding change: c.447G>A on transcript NM_020686.6 (MANE Select); coding-DNA position 447, G replaced by A.
Protein change: p.Ser149=; no amino-acid change (serine 149 retained).
Molecular consequence: synonymous variant.
Genome position (GRCh38, 1-based): chr16:8,764,149, G>A. VCF-style: chr16-8764149-G-A. GRCh37 (hg19) VCF-style: chr16-8858006-G-A.
Other names: c.447G>A, p.Ser149= (NM_000663.5, NM_001127448.2, NM_001386600.1 and 10 more transcripts); c.312G>A, p.Ser104= (NM_001386610.1, NM_001386611.1, NM_001386612.1 and 1 more transcripts); c.201G>A, p.Ser67= (NM_001386614.1); c.543G>A, p.Ser181= (NM_001386615.1).
Identifiers: ClinVar variation 2146253 (VCV002146253.6), dbSNP rs376531387, ClinGen allele CA277468507.
Genomic context (GRCh38, chr16:8,764,149, plus strand): 5'-CGCCCTCGGAATCCTGCCTCCGGAGAACTTTGTGGAGAAGCTCCGGCAGTCCTTGCTCTC[G>A]GTGAGTTCTGGAGAAGCAATCCCATTGTCTTCAGACGTGGTACTGGCAGGGGAAGGGAAA-3'
Protein context (NP_065737.2, residues 139-159): FVEKLRQSLL[Ser149=]VAPKGMSQLI